The following is an entry in ClinVar:

ClinVar aggregate classification (germline): Uncertain significance. Review status: reviewed by expert panel (3 of 4 stars). 3 submissions from 3 submitters: Uncertain significance (1). 2 of the submissions do not count toward it. Last evaluated 2026-08-27.

Conditions:
Hereditary breast ovarian cancer syndrome. Also called: Hereditary breast and ovarian cancer; BRCA1- and BRCA2-Associated Hereditary Breast and Ovarian Cancer; Hereditary breast and ovarian cancer syndrome (HBOC); Hereditary breast and/or ovarian cancer syndrome; Breast and ovarian cancer; Hereditary breast and ovarian cancer syndrome. Identifiers: Orphanet 145, MedGen C0677776, MeSH D061325, MONDO:0003582. Disease mechanism: loss of function.
BRCA1-related cancer predisposition. Identifiers: MedGen CN377757, MONDO:0700268.
Hereditary cancer-predisposing syndrome. Also called: Tumor predisposition; Hereditary neoplastic syndrome; Neoplastic Syndromes, Hereditary; Hereditary Cancer Syndrome. Identifiers: Orphanet 140162, MedGen C0027672, MeSH D009386, MONDO:0015356.

Submissions (3):

ClinGen ENIGMA BRCA1 and BRCA2 Variant Curation Expert Panel, ClinGen
Classification: Uncertain significance for BRCA1-related cancer predisposition. Last evaluated: 2026-08-27. Review status: reviewed by expert panel. Criteria: CSpec BRCA1/2ACMG Rules Specifications V1.2. Collection method: curation. Allele origin: germline. Inheritance: Autosomal dominant inheritance.
Comment: The c.5563delinsGGATCC variant in BRCA1 is a deletion of a single nucleotide combined with insertion of 6 nucleotides, predicted to encode a frameshift and result in a novel stop codon downstream of the original stop codon. This variant is predicted to escape nonsense mediated decay and lead to a change in, and an extension of, a region with unknown protein function (the last 9 amino acids are replaced by 68 different ones) (p.(Ile1855GlyfsTer69)). This deletion insertion variant was not observed in gnomAD v2.1 (exomes only, non-cancer subset) or gnomAD v3.1 (non-cancer subset), but PM2_Supporting was not applied since recall is suboptimal for this type of variant (PM2_Supporting not met). Reported by one calibrated study to exhibit protein function similar to pathogenic control variants (PMID: 38709234) (PS3 met). The sequence up to BRCA1 p.Leu1854 is predicted to be maintained. Frameshift variants predicted to cause a stop codon downstream of p.Leu1854 are not predicted to cause NMD and the role of the region in the protein function is unknown (PVS1_N/A, PM5_N/A (PTC)). In summary, this variant meets the criteria to be classified as a Variant of uncertain significance for BRCA1-related cancer predisposition based on the ACMG/AMP criteria applied as specified by the ENIGMA BRCA1/2 VCEP (v1.2) (PS3).

Ambry Genetics
Classification: Uncertain significance for Hereditary cancer-predisposing syndrome. Last evaluated: 2026-04-21. Review status: criteria provided, single submitter. Criteria: Ambry Variant Classification Scheme 2023. Collection method: clinical testing. Allele origin: germline. Not counted in ClinVar's aggregate classification.
Comment: The c.5563delAinsGGATCC variant, located in coding exon 22 of the BRCA1 gene, results from the deletion of one nucleotide and insertion of 6 nucleotides causing a translational frameshift with a predicted alternate stop codon (p.I1855Gfs*69). Frameshifts are typically deleterious in nature, however, this frameshift occurs at the 3' terminus of BRCA1, is not expected to trigger nonsense-mediated mRNA decay, and results in the elongation of the protein by 58 amino acids. The exact functional impact of these inserted amino acids is unknown at this time. One functional study found that this alteration impaired BRCA1 transcriptional activation activity (Nepomuceno TC et al. HGG Adv, 2024 Jul;5:100296; Ambry internal data). Since supporting evidence is limited at this time, the clinical significance of this alteration remains unclear.

Labcorp Genetics (formerly Invitae), Labcorp
Classification: Likely pathogenic for Hereditary breast ovarian cancer syndrome. Last evaluated: 2024-04-30. Review status: criteria provided, single submitter. Criteria: Invitae Variant Classification Sherloc (09022015). Collection method: clinical testing. Allele origin: germline. Not counted in ClinVar's aggregate classification.
Comment: This sequence change results in a frameshift in the BRCA1 gene (p.Ile1855Glyfs*69). While this is not anticipated to result in nonsense mediated decay, it is expected to disrupt the last 9 amino acid(s) of the BRCA1 protein and extend the protein by 68 additional amino acid residues. Information on the frequency of this variant in the gnomAD database is not available, as this variant may be reported differently in the database. This variant has not been reported in the literature in individuals affected with BRCA1-related conditions. The frameshift caused by this variant affects the C-terminal end of the BRCA1 protein, partially including the BRCT domain (residues 1646-1859), which is important for DNA repair activity (PMID: 11573086, 14576433, 15133503, 25652403). While a protein structural change is likely expected, functional studies have not been done to test whether or not this variant affects protein function. In summary, the currently available evidence indicates that the variant is pathogenic, but additional data are needed to prove that conclusively. Therefore, this variant has been classified as Likely Pathogenic.

Literature cited by the submitters: PubMed 38669137 (cited by Ambry Genetics); PubMed 11573086 (cited by Labcorp Genetics (formerly Invitae), Labcorp); PubMed 14576433 (cited by Labcorp Genetics (formerly Invitae), Labcorp); PubMed 15133503 (cited by Labcorp Genetics (formerly Invitae), Labcorp); PubMed 25652403 (cited by Labcorp Genetics (formerly Invitae), Labcorp).

NM_007294.4(BRCA1):c.5563delinsGGATCC (p.Ile1855fs)

Gene: BRCA1 (BRCA1 DNA repair associated; minus strand). Cytogenetic location: 17q21.31.
Variant type: Indel.
Coding change: c.5563delinsGGATCC on transcript NM_007294.4 (MANE Select); coding-DNA position 5563, A replaced by GGATCC.
Protein change: p.Ile1855fs; shifts the reading frame from isoleucine 1855.
Molecular consequence: frameshift variant. On other transcripts: 3 prime UTR variant (1), non-coding transcript variant (1).
Genome position (GRCh38, 1-based): chr17:43,045,707, T replaced by GGATCC on the plus strand (A replaced by GGATCC on the coding strand, the reverse complement: BRCA1 is on the minus strand). VCF-style: chr17-43045707-T-GGATCC. GRCh37 (hg19) VCF-style: chr17-41197724-T-GGATCC.
Other names: NM_007294.4(BRCA1):c.5563delinsGGATCC; p.Ile1855fs; c.5350delAinsGGATCC, p.Ile1784Glyfs (NM_001407571.1, NM_001407894.1, NM_001407895.1 and 12 more transcripts); c.5629delAinsGGATCC, p.Ile1877Glyfs (NM_001407581.1, NM_001407582.1); c.5626delAinsGGATCC, p.Ile1876Glyfs (NM_001407583.1, NM_001407585.1, NM_001407587.1); c.5623delAinsGGATCC, p.Ile1875Glyfs (NM_001407590.1, NM_001407591.1); c.5563delAinsGGATCC, p.Ile1855Glyfs (NM_001407593.1, NM_001407594.1, NM_001407596.1 and 5 more transcripts); c.5560delAinsGGATCC, p.Ile1854Glyfs (NM_001407610.1, NM_001407611.1, NM_001407612.1 and 14 more transcripts); and 80 more; short protein forms I1808fs, I1855fs, I1876fs, I751fs.
Identifiers: ClinVar variation 825830 (VCV000825830.14), dbSNP rs483353103, ClinGen allele CA915950023.